The following is an entry in ClinVar:

NM_024809.5(TCTN2):c.1474G>T (p.Val492Phe)

Gene: TCTN2 (tectonic family member 2; plus strand). Cytogenetic location: 12q24.31.
Variant type: single nucleotide variant.
Coding change: c.1474G>T on transcript NM_024809.5 (MANE Select); coding-DNA position 1474, G replaced by T.
Protein change: p.Val492Phe; replaces valine 492 with phenylalanine.
Molecular consequence: missense variant.
Genome position (GRCh38, 1-based): chr12:123,697,167, G>T. VCF-style: chr12-123697167-G-T. GRCh37 (hg19) VCF-style: chr12-124181714-G-T.
Other names: c.1471G>T, p.Val491Phe (NM_001143850.3); short protein forms V492F, V491F.
Identifiers: ClinVar variation 1462923 (VCV001462923.11), dbSNP rs1449279317, ClinGen allele CA387145105.

ClinVar aggregate classification (germline): Uncertain significance. Review status: criteria provided, multiple submitters, no conflicts (2 of 4 stars). 3 submissions from 3 submitters: Uncertain significance (3). Last evaluated 2024-05-25.

Conditions:
Joubert syndrome 24 (JBTS24). Identifiers: Orphanet 475, MedGen C4084841, MONDO:0014724, OMIM 616654.
Meckel syndrome, type 8. Identifiers: Orphanet 564, MedGen C3836857, MONDO:0013482, OMIM 613885.
Meckel-Gruber syndrome. Also called: DYSENCEPHALIA SPLANCHNOCYSTICA; GRUBER SYNDROME; Dysencephalia splachnocystica. Identifiers: Orphanet 564, MedGen C0265215, MONDO:0018921.
Joubert syndrome. Also called: CEREBELLOPARENCHYMAL DISORDER IV; JOUBERT-BOLTSHAUSER SYNDROME; Familial aplasia of the vermis. Identifiers: Orphanet 475, MedGen C5979921, MONDO:0018772.

Allele frequency attached by ClinVar (database versions not stated): gnomAD 0.00003 and 0.00004; TOPMed 0.00004.
gnomAD v4.1: 13 of 1,613,892 alleles (0.00081%); highest among the groups gnomAD compares: African/African-American, 0.017%; no homozygotes.

Submissions (3):

Fulgent Genetics
Classification: Uncertain significance for Meckel syndrome, type 8; Joubert syndrome 24. Last evaluated: 2024-05-25. Review status: criteria provided, single submitter. Criteria: ACMG Guidelines, 2015. Collection method: clinical testing. Allele origin: germline.

Labcorp Genetics (formerly Invitae), Labcorp
Classification: Uncertain significance for Joubert syndrome; Meckel-Gruber syndrome. Last evaluated: 2022-07-19. Review status: criteria provided, single submitter. Criteria: Invitae Variant Classification Sherloc (09022015). Collection method: clinical testing. Allele origin: germline.
Comment: In summary, the available evidence is currently insufficient to determine the role of this variant in disease. Therefore, it has been classified as a Variant of Uncertain Significance. Algorithms developed to predict the effect of missense changes on protein structure and function are either unavailable or do not agree on the potential impact of this missense change (SIFT: "Deleterious"; PolyPhen-2: "Possibly Damaging"; Align-GVGD: "Class C0"). ClinVar contains an entry for this variant (Variation ID: 1462923). This sequence change replaces valine, which is neutral and non-polar, with phenylalanine, which is neutral and non-polar, at codon 492 of the TCTN2 protein (p.Val492Phe). This variant is present in population databases (no rsID available, gnomAD 0.01%). This variant has not been reported in the literature in individuals affected with TCTN2-related conditions.

GeneDx
Classification: Uncertain significance. Last evaluated: 2022-03-23. Review status: criteria provided, single submitter. Criteria: GeneDx Variant Classification Process June 2021. Collection method: clinical testing. Allele origin: germline. Affected: yes.
Comment: Not observed at significant frequency in large population cohorts (gnomAD); In silico analysis supports that this missense variant has a deleterious effect on protein structure/function; Has not been previously published as pathogenic or benign to our knowledge